The following is an entry in ClinVar:

ClinVar aggregate classification (germline): Pathogenic (1 of 4 stars; one submission).

Conditions:
Ataxia-telangiectasia syndrome (AT). Also called: ATAXIA-TELANGIECTASIA, COMPLEMENTATION GROUP A; ATAXIA-TELANGIECTASIA, FRESNO VARIANT; Ataxia-telangiectasia; Ataxia-telangiectasia, complementation group D; Ataxia-telangiectasia, complementation group E; AT, COMPLEMENTATION GROUP C. Identifiers: Orphanet 100, MedGen C0004135, MONDO:0008840, OMIM 208900.

Submission:

Labcorp Genetics (formerly Invitae), Labcorp
Classification: Pathogenic for Ataxia-telangiectasia syndrome. Last evaluated: 2024-12-18. Review status: criteria provided, single submitter. Criteria: Invitae Variant Classification Sherloc (09022015). Collection method: clinical testing. Allele origin: germline.
Comment: This sequence change creates a premature translational stop signal (p.Phe897Serfs*2) in the ATM gene. It is expected to result in an absent or disrupted protein product. Loss-of-function variants in ATM are known to be pathogenic (PMID: 23807571, 25614872). This variant is present in population databases (rs764059261, gnomAD 0.0009%). This variant has not been reported in the literature in individuals affected with ATM-related conditions. For these reasons, this variant has been classified as Pathogenic.

Literature cited by the submitters: PubMed 23807571; PubMed 25614872.

NM_000051.4(ATM):c.2690del (p.Phe897fs)

Gene: ATM (ATM serine/threonine kinase; plus strand). Cytogenetic location: 11q22.3.
Variant type: Deletion.
Coding change: c.2690del on transcript NM_000051.4 (MANE Select); coding-DNA position 2690, one base deleted (T; older notation c.2690delT).
Protein change: p.Phe897fs; shifts the reading frame from phenylalanine 897.
Molecular consequence: frameshift variant.
Genome position (GRCh38, 1-based): chr11:108,268,461, T deleted; the last of 4 consecutive T bases (chr11:108,268,458-108,268,461); deleting any one gives the same sequence. VCF-style (leftmost placement, unchanged base first): chr11-108268457-CT-C. GRCh37 (hg19) VCF-style: chr11-108139184-CT-C.
Other names: c.2690del, p.Phe897fs (NM_001351834.2); short protein forms F897fs.
Identifiers: ClinVar variation 3727553 (VCV003727553.2).
Genomic context (GRCh38, chr11:108,268,457, plus strand): 5'-TTTTTATTTTTAGGTGCCATTAATCCTTTAGCTGAAGAATATCTGTCAAAGCAAGATCTA[CT>C]TTTCTTAGACATGCTCAAGTTCTTGTGTTTGTGTGTAACTACTGCTCAGACCAATACTGT-3'